The following is an entry in ClinVar:

NM_001276345.2(TNNT2):c.719+6G>T

Gene: TNNT2 (troponin T2, cardiac type; minus strand). Cytogenetic location: 1q32.1.
Variant type: single nucleotide variant.
Coding change: c.719+6G>T on transcript NM_001276345.2 (MANE Select); 6 bases into the intron after coding-DNA position 719, G replaced by T.
Molecular consequence: intron variant.
Genome position (GRCh38, 1-based): chr1:201,361,907, C>A on the plus strand (G>T on the coding strand, the complement: TNNT2 is on the minus strand). VCF-style: chr1-201361907-C-A. GRCh37 (hg19) VCF-style: chr1-201331035-C-A.
Other names: c.680+6G>T (NM_001406727.1, NM_001001431.3, NM_001406726.1); c.689+6G>T (NM_001406724.1, NM_001001430.3, NM_001276347.2); c.671+6G>T (NM_001001432.3); c.674+6G>T (NM_001406728.1); c.686+6G>T (NM_001406725.1); c.590+6G>T (NM_001276346.2); c.710+6G>T (NM_000364.4, NM_001406723.1).
Identifiers: ClinVar variation 3070478 (VCV003070478.1), dbSNP rs2526939502, ClinGen allele CA2825000859.

ClinVar aggregate classification (germline): Uncertain significance (1 of 4 stars; one submission).

Conditions:
Cardiomyopathy (CMYO). Also called: Cardiomyopathies. Identifiers: Orphanet 167848, MedGen C0878544, MONDO:0004994, HP:0001638. Inheritance: Various modes of inheritance.

Submission:

All of Us Research Program, National Institutes of Health
Classification: Uncertain significance for Cardiomyopathy. Last evaluated: 2023-10-23. Review status: criteria provided, single submitter. Criteria: ACMG Guidelines, 2015. Collection method: clinical testing. Allele origin: germline. Inheritance: Autosomal dominant inheritance. Observed: 2 variant alleles, 2 heterozygotes.
Comment: This variant causes a G to T nucleotide substitution at the +6 position of intron 13 of the TNNT2 gene. To our knowledge, functional studies have not been reported for this variant. This variant has not been reported in individuals affected with TNNT2-related disorders in the literature. This variant has not been identified in the general population by the Genome Aggregation Database (gnomAD). The available evidence is insufficient to determine the role of this variant in disease conclusively. Therefore, this variant is classified as a Variant of Uncertain Significance.

This study involves interpretation of variants in research participants for the purpose of population health screening. Participant phenotype was not available at the time of variant classification. Additional details can be found in publication PMID: 35346344, PMCID: PMC8962531